The following is an entry in ClinVar:

NC_000007.13:g.(?_138536949)_(138537035_?)del

Gene: KIAA1549 (KIAA1549; minus strand). Cytogenetic location: 7q34.
Variant type: Deletion.
Identifiers: ClinVar variation 2423905 (VCV002423905.4).

ClinVar aggregate classification (germline): Uncertain significance (1 of 4 stars; one submission).

Submission:

Labcorp Genetics (formerly Invitae), Labcorp
Classification: Uncertain significance. Last evaluated: 2022-07-09. Review status: criteria provided, single submitter. Criteria: Invitae Variant Classification Sherloc (09022015). Collection method: clinical testing. Allele origin: germline.
Comment: In summary, the available evidence is currently insufficient to determine the role of this variant in disease. Therefore, it has been classified as a Variant of Uncertain Significance. Experimental studies and prediction algorithms are not available or were not evaluated, and the functional significance of this variant is currently unknown. This variant has not been reported in the literature in individuals affected with KIAA1549-related conditions. This variant is a gross deletion of the genomic region encompassing exon(s) 17 of the KIAA1549 gene. This deletion is out-of-frame, and is expected to create a premature translational stop signal and result in an absent or disrupted protein product. However, the current clinical and genetic evidence is not sufficient to establish whether loss-of-function variants in KIAA1549 cause disease.